The following is an entry in ClinVar:

ClinVar aggregate classification (germline): Uncertain significance (1 of 4 stars; one submission).

Conditions:
Progressive sclerosing poliodystrophy (MTDPS4A). Also called: NEURONAL DEGENERATION OF CHILDHOOD WITH LIVER DISEASE, PROGRESSIVE; Alpers Syndrome; ALPERS DIFFUSE DEGENERATION OF CEREBRAL GRAY MATTER WITH HEPATIC CIRRHOSIS; Alpers-Huttenlocher Syndrome; Mitochondrial DNA Depletion Syndrome 4A; Alpers-Huttenlocher Syndrome (AHS). Identifiers: Orphanet 726, MedGen C0205710, MONDO:0008758, OMIM 203700.

gnomAD v4.1: 1 of 1,548,310 alleles (0.000065%); highest among the groups gnomAD compares: East Asian, 0.0024%; no homozygotes.

Submission:

Labcorp Genetics (formerly Invitae), Labcorp
Classification: Uncertain significance for Progressive sclerosing poliodystrophy. Last evaluated: 2023-12-06. Review status: criteria provided, single submitter. Criteria: Invitae Variant Classification Sherloc (09022015). Collection method: clinical testing. Allele origin: germline.
Comment: This sequence change replaces tryptophan, which is neutral and slightly polar, with leucine, which is neutral and non-polar, at codon 25 of the POLG protein (p.Trp25Leu). This variant is not present in population databases (gnomAD no frequency). This variant has not been reported in the literature in individuals affected with POLG-related conditions. ClinVar contains an entry for this variant (Variation ID: 1719042). Advanced modeling of protein sequence and biophysical properties (such as structural, functional, and spatial information, amino acid conservation, physicochemical variation, residue mobility, and thermodynamic stability) performed at Invitae indicates that this missense variant is not expected to disrupt POLG protein function with a negative predictive value of 95%. In summary, the available evidence is currently insufficient to determine the role of this variant in disease. Therefore, it has been classified as a Variant of Uncertain Significance.

NM_002693.3(POLG):c.74G>T (p.Trp25Leu)

Genes: POLG (DNA polymerase gamma, catalytic subunit; minus strand), POLGARF (POLG alternative reading frame; minus strand). Cytogenetic location: 15q26.1.
Variant type: single nucleotide variant.
Coding change: c.74G>T on transcript NM_002693.3 (MANE Select); coding-DNA position 74, G replaced by T.
Protein change: p.Trp25Leu; replaces tryptophan 25 with leucine.
Molecular consequence: missense variant.
Genome position (GRCh38, 1-based): chr15:89,333,681, C>A on the plus strand (G>T on the coding strand, the complement: POLG is on the minus strand). VCF-style: chr15-89333681-C-A. GRCh37 (hg19) VCF-style: chr15-89876912-C-A.
Other names: c.74G>T, p.Trp25Leu (NM_001126131.2); short protein forms W25L.
Identifiers: ClinVar variation 1719042 (VCV001719042.6), dbSNP rs1157410900, ClinGen allele CA393774961.